The following is an entry in ClinVar:

ClinVar aggregate classification (germline): Uncertain significance (0 of 4 stars; one submission).

Conditions:
STAT3-related disorder. Also called: STAT3-related condition.

Submission:

PreventionGenetics, part of Exact Sciences
Classification: Uncertain significance for STAT3-related condition. Last evaluated: 2024-02-28. Review status: no assertion criteria provided. Collection method: clinical testing. Allele origin: germline.
Comment: The STAT3 c.1756A>T variant is predicted to result in the amino acid substitution p.Met586Leu. To our knowledge, this variant has not been reported in the literature or in a large population database, indicating this variant is rare. At this time, the clinical significance of this variant is uncertain due to the absence of conclusive functional and genetic evidence.

NM_139276.3(STAT3):c.1756A>T (p.Met586Leu)

Gene: STAT3 (signal transducer and activator of transcription 3; minus strand). Cytogenetic location: 17q21.2.
Variant type: single nucleotide variant.
Coding change: c.1756A>T on transcript NM_139276.3 (MANE Select); coding-DNA position 1756, A replaced by T.
Protein change: p.Met586Leu; replaces methionine 586 with leucine.
Molecular consequence: missense variant.
Genome position (GRCh38, 1-based): chr17:42,323,136, T>A on the plus strand (A>T on the coding strand, the complement: STAT3 is on the minus strand). VCF-style: chr17-42323136-T-A. GRCh37 (hg19) VCF-style: chr17-40475154-T-A.
Other names: c.1756A>T, p.Met586Leu (NM_001369512.1, NM_001369513.1, NM_001369514.1 and 9 more transcripts); c.1672A>T, p.Met558Leu (NM_001384984.1); c.1678A>T, p.Met560Leu (NM_001384985.1); c.1771A>T, p.Met591Leu (NM_001384986.1, NM_001384990.1); c.1735A>T, p.Met579Leu (NM_001384987.1); c.1660A>T, p.Met554Leu (NM_001384989.1); c.1729A>T, p.Met577Leu (NM_001384991.1); c.1696A>T, p.Met566Leu (NM_001384992.1); short protein forms M554L, M558L, M560L, M566L, M577L, M579L, M586L, M591L.
Identifiers: ClinVar variation 3061321 (VCV003061321.2), dbSNP rs2144694526, ClinGen allele CA399583244.